The following is an entry in ClinVar:

NM_001876.4(CPT1A):c.518G>A (p.Arg173His)

Gene: CPT1A (carnitine palmitoyltransferase 1A; minus strand). Cytogenetic location: 11q13.3.
Variant type: single nucleotide variant.
Coding change: c.518G>A on transcript NM_001876.4 (MANE Select); coding-DNA position 518, G replaced by A.
Protein change: p.Arg173His; replaces arginine 173 with histidine.
Molecular consequence: missense variant.
Genome position (GRCh38, 1-based): chr11:68,804,037, C>T on the plus strand (G>A on the coding strand, the complement: CPT1A is on the minus strand). VCF-style: chr11-68804037-C-T. GRCh37 (hg19) VCF-style: chr11-68571505-C-T.
Other names: c.518G>A, p.Arg173His (NM_001031847.3); short protein forms R173H.
Identifiers: ClinVar variation 381410 (VCV000381410.14), dbSNP rs199589844, ClinGen allele CA6152639.

ClinVar aggregate classification (germline): Benign. Review status: criteria provided, multiple submitters, no conflicts (2 of 4 stars). 3 submissions from 3 submitters: Benign (2). 1 of the submissions does not count toward it. Last evaluated 2026-01-28.

Conditions:
Carnitine palmitoyl transferase 1A deficiency. Also called: Carnitine palmitoyltransferase type I deficiency; Carnitine palmitoyltransferase 1A deficiency; CPT I DEFICIENCY; CPT DEFICIENCY, HEPATIC, TYPE I; CPT deficiency, hepatic, type IA. Identifiers: Orphanet 156, MedGen C1829703, MONDO:0009705, OMIM 255120.

Allele frequency attached by ClinVar (database versions not stated): gnomAD 0.00003 and 0.00050; TOPMed 0.00013; gnomAD exomes 0.00094; 1000 Genomes Project 30x 0.00375; 1000 Genomes Project 0.00419.
gnomAD v4.1: 1,451 of 1,613,876 alleles (0.09%); highest among the groups gnomAD compares: South Asian, 1.5%; 31 homozygotes.

Submissions (3):

Labcorp Genetics (formerly Invitae), Labcorp
Classification: Benign for Carnitine palmitoyl transferase 1A deficiency. Last evaluated: 2026-01-28. Review status: criteria provided, single submitter. Criteria: Invitae Variant Classification Sherloc (09022015). Collection method: clinical testing. Allele origin: germline.

GeneDx
Classification: Benign. Last evaluated: 2016-10-20. Review status: criteria provided, single submitter. Criteria: GeneDx Variant Classification (06012015). Collection method: clinical testing. Allele origin: germline. Affected: yes.
Comment: This variant is considered likely benign or benign based on one or more of the following criteria: it is a conservative change, it occurs at a poorly conserved position in the protein, it is predicted to be benign by multiple in silico algorithms, and/or has population frequency not consistent with disease.

Natera, Inc.
Classification: Benign for Carnitine palmitoyltransferase type I deficiency. Last evaluated: 2020-09-16. Review status: no assertion criteria provided. Collection method: clinical testing. Allele origin: germline. Not counted in ClinVar's aggregate classification.